The following is an entry in ClinVar:

NM_001355436.2(SPTB):c.6005G>A (p.Trp2002Ter)

Gene: SPTB (spectrin beta, erythrocytic; minus strand). Cytogenetic location: 14q23.3.
Variant type: single nucleotide variant.
Coding change: c.6005G>A on transcript NM_001355436.2 (MANE Select); coding-DNA position 6005, G replaced by A.
Protein change: p.Trp2002Ter; replaces tryptophan 2002 with a stop codon.
Molecular consequence: nonsense.
Genome position (GRCh38, 1-based): chr14:64,769,051, C>T on the plus strand (G>A on the coding strand, the complement: SPTB is on the minus strand). VCF-style: chr14-64769051-C-T. GRCh37 (hg19) VCF-style: chr14-65235769-C-T.
Other names: c.6005G>A, p.Trp2002Ter (NM_001024858.4, NM_001355437.2); short protein forms W2002*.
Identifiers: ClinVar variation 3673707 (VCV003673707.2).
Genomic context (GRCh38, chr14:64,769,051, plus strand): 5'-GGGTACTCCTGCCCCTGGGCCCTGGCTCCAGGGCTGTACTCACACATGCGGAGCCGCTCC[C>T]AGCGGGCTTCCCACTTCTCATTCATCTCTTTCCTCCTGGACATCACCTGCTGCAGTTTCT-3'

ClinVar aggregate classification (germline): Pathogenic (1 of 4 stars; one submission).

Submission:

Labcorp Genetics (formerly Invitae), Labcorp
Classification: Pathogenic. Last evaluated: 2024-05-13. Review status: criteria provided, single submitter. Criteria: Invitae Variant Classification Sherloc (09022015). Collection method: clinical testing. Allele origin: germline.
Comment: This sequence change creates a premature translational stop signal (p.Trp2002*) in the SPTB gene. It is expected to result in an absent or disrupted protein product. Loss-of-function variants in SPTB are known to be pathogenic (PMID: 1391962, 1498324, 8844207, 26830532, 27292444). This variant is not present in population databases (gnomAD no frequency). This variant has not been reported in the literature in individuals affected with SPTB-related conditions. For these reasons, this variant has been classified as Pathogenic.

Literature cited by the submitters: PubMed 1391962; PubMed 1498324; PubMed 8844207; PubMed 26830532; PubMed 27292444.